The following is an entry in ClinVar:

NM_199420.4(POLQ):c.2045G>T (p.Arg682Met)

Gene: POLQ (DNA polymerase theta; minus strand). Cytogenetic location: 3q13.33.
Variant type: single nucleotide variant.
Coding change: c.2045G>T on transcript NM_199420.4 (MANE Select); coding-DNA position 2045, G replaced by T.
Protein change: p.Arg682Met; replaces arginine 682 with methionine.
Molecular consequence: missense variant.
Genome position (GRCh38, 1-based): chr3:121,498,585, C>A on the plus strand (G>T on the coding strand, the complement: POLQ is on the minus strand). VCF-style: chr3-121498585-C-A. GRCh37 (hg19) VCF-style: chr3-121217432-C-A.
Other names: short protein forms R682M.
Identifiers: ClinVar variation 3422613 (VCV003422613.1).

ClinVar aggregate classification (germline): Uncertain significance (1 of 4 stars; one submission).

Submission:

Ambry Genetics
Classification: Uncertain significance. Last evaluated: 2024-10-21. Review status: criteria provided, single submitter. Criteria: Ambry Variant Classification Scheme 2023. Collection method: clinical testing. Allele origin: germline.
Comment: The p.R682M variant (also known as c.2045G>T), located in coding exon 13 of the POLQ gene, results from a G to T substitution at nucleotide position 2045. The arginine at codon 682 is replaced by methionine, an amino acid with similar properties. This amino acid position is conserved. In addition, the in silico prediction for this alteration is inconclusive. Based on the available evidence, the clinical significance of this variant remains unclear.